The following is an entry in ClinVar:

ClinVar aggregate classification (germline): Likely benign. Review status: criteria provided, multiple submitters, no conflicts (2 of 4 stars). 2 submissions from 2 submitters: Likely benign (2). Last evaluated 2026-05-15.

Conditions:
PHIP-related disorder. Also called: PHIP-related condition; PHIP-related disorders.

Submissions (2):

PreventionGenetics, part of Exact Sciences
Classification: Likely benign for PHIP-related condition. Last evaluated: 2026-05-15. Review status: criteria provided, single submitter. Criteria: ACMG Guidelines, 2015. Collection method: clinical testing. Allele origin: germline.
Comment: This variant is classified as likely benign based on ACMG/AMP sequence variant interpretation guidelines (Richards et al. 2015 PMID: 25741868, with internal and published modifications).

Labcorp Genetics (formerly Invitae), Labcorp
Classification: Likely benign. Last evaluated: 2025-04-21. Review status: criteria provided, single submitter. Criteria: Invitae Variant Classification Sherloc (09022015). Collection method: clinical testing. Allele origin: germline.

NM_017934.7(PHIP):c.138C>T (p.Pro46=)

Gene: PHIP (PHIP subunit of CUL4-Ring ligase complex; minus strand). Cytogenetic location: 6q14.1.
Variant type: single nucleotide variant.
Coding change: c.138C>T on transcript NM_017934.7 (MANE Select); coding-DNA position 138, C replaced by T.
Protein change: p.Pro46=; no amino-acid change (proline 46 retained).
Molecular consequence: synonymous variant.
Genome position (GRCh38, 1-based): chr6:79,077,499, G>A on the plus strand (C>T on the coding strand, the complement: PHIP is on the minus strand). VCF-style: chr6-79077499-G-A. GRCh37 (hg19) VCF-style: chr6-79787216-G-A.
Other names: c.138C>T (NM_017934.6).
Identifiers: ClinVar variation 4780705 (VCV004780705.2).